The following is an entry in ClinVar:

NM_002641.4(PIGA):c.1361C>A (p.Ala454Glu)

Gene: PIGA (phosphatidylinositol glycan anchor biosynthesis class A; minus strand). Cytogenetic location: Xp22.2.
Variant type: single nucleotide variant.
Coding change: c.1361C>A on transcript NM_002641.4 (MANE Select); coding-DNA position 1361, C replaced by A.
Protein change: p.Ala454Glu; replaces alanine 454 with glutamic acid.
Molecular consequence: missense variant. On other transcripts: non-coding transcript variant (4).
Genome position (GRCh38, 1-based): chrX:15,321,600, G>T on the plus strand (C>A on the coding strand, the complement: PIGA is on the minus strand). VCF-style: chrX-15321600-G-T. GRCh37 (hg19) VCF-style: chrX-15339722-G-T.
Other names: c.1454C>A, p.Ala485Glu (NM_001440789.1); c.752C>A, p.Ala251Glu (NM_001440790.1); c.659C>A, p.Ala220Glu (NM_020473.3); short protein forms A220E, A251E, A454E, A485E.
Identifiers: ClinVar variation 5010296 (VCV005010296.1).

ClinVar aggregate classification (germline): Uncertain significance (1 of 4 stars; one submission).

Conditions:
Multiple congenital anomalies-hypotonia-seizures syndrome 2 (MCAHS2). Also called: EPILEPTIC ENCEPHALOPATHY, EARLY INFANTILE, 20; GLYCOSYLPHOSPHATIDYLINOSITOL BIOSYNTHESIS DEFECT 4. Identifiers: Orphanet 300496, MedGen C3275508, MONDO:0010466, OMIM 300868.

Submission:

Pediatrics, Krishna Vikash Hospital Bargarh
Classification: Uncertain significance for Multiple congenital anomalies-hypotonia-seizures syndrome 2. Last evaluated: 2026-09-21. Review status: criteria provided, single submitter. Criteria: ACMG Guidelines, 2015. Collection method: provider interpretation. Allele origin: de novo. Inheritance: X-linked recessive inheritance. Affected: yes. Observed: 1 variant allele, 1 hemizygote.
Comment: The variant is absent from gnomAD (PM2_supporting). The phenotype closely matches MCAHS2 (PP4). PP3 was not applied (REVEL 0.52). Classification will be reviewed if further evidence becomes available.